The following is an entry in ClinVar:

NM_001197104.2(KMT2A):c.1931G>A (p.Arg644His)

Gene: KMT2A (lysine methyltransferase 2A; plus strand). Cytogenetic location: 11q23.3.
Variant type: single nucleotide variant.
Coding change: c.1931G>A on transcript NM_001197104.2 (MANE Select); coding-DNA position 1931, G replaced by A.
Protein change: p.Arg644His; replaces arginine 644 with histidine.
Molecular consequence: missense variant.
Genome position (GRCh38, 1-based): chr11:118,473,090, G>A. VCF-style: chr11-118473090-G-A. GRCh37 (hg19) VCF-style: chr11-118343805-G-A.
Other names: c.2030G>A, p.Arg677His (NM_001412597.1); c.1931G>A, p.Arg644His (NM_005933.4); short protein forms R644H, R677H.
Identifiers: ClinVar variation 2499768 (VCV002499768.3), dbSNP rs2134265185, ClinGen allele CA382811751.

ClinVar aggregate classification (germline): Uncertain significance. Review status: criteria provided, multiple submitters, no conflicts (2 of 4 stars). 2 submissions from 2 submitters: Uncertain significance (2). Last evaluated 2024-03-13.

Allele frequency attached by ClinVar (database versions not stated): gnomAD exomes below 0.00001.
gnomAD v4.1: 2 of 1,614,074 alleles (0.00012%); no homozygotes.

Submissions (2):

Labcorp Genetics (formerly Invitae), Labcorp
Classification: Uncertain significance. Last evaluated: 2024-03-13. Review status: criteria provided, single submitter. Criteria: Invitae Variant Classification Sherloc (09022015). Collection method: clinical testing. Allele origin: germline.
Comment: This sequence change replaces arginine, which is basic and polar, with histidine, which is basic and polar, at codon 644 of the KMT2A protein (p.Arg644His). This variant is not present in population databases (gnomAD no frequency). This variant has not been reported in the literature in individuals affected with KMT2A-related conditions. ClinVar contains an entry for this variant (Variation ID: 2499768). Advanced modeling of protein sequence and biophysical properties (such as structural, functional, and spatial information, amino acid conservation, physicochemical variation, residue mobility, and thermodynamic stability) performed at Invitae indicates that this missense variant is expected to disrupt KMT2A protein function with a positive predictive value of 95%. In summary, the available evidence is currently insufficient to determine the role of this variant in disease. Therefore, it has been classified as a Variant of Uncertain Significance.

GeneDx
Classification: Uncertain significance. Last evaluated: 2022-10-21. Review status: criteria provided, single submitter. Criteria: GeneDx Variant Classification Process June 2021. Collection method: clinical testing. Allele origin: germline. Affected: yes.
Comment: Not observed at significant frequency in large population cohorts (gnomAD); In silico analysis supports that this missense variant does not alter protein structure/function; Has not been previously published as pathogenic or benign to our knowledge